The following is an entry in ClinVar:

ClinVar aggregate classification (germline): Uncertain significance (1 of 4 stars; one submission).

Allele frequency attached by ClinVar (database versions not stated): gnomAD exomes below 0.00001; gnomAD 0.00001; TOPMed 0.00001.
gnomAD v4.1: 8 of 1,614,076 alleles (0.0005%); highest among the groups gnomAD compares: African/African-American, 0.0027%; no homozygotes.

Submission:

Labcorp Genetics (formerly Invitae), Labcorp
Classification: Uncertain significance. Last evaluated: 2022-05-16. Review status: criteria provided, single submitter. Criteria: Invitae Variant Classification Sherloc (09022015). Collection method: clinical testing. Allele origin: germline.
Comment: This sequence change replaces glycine, which is neutral and non-polar, with valine, which is neutral and non-polar, at codon 133 of the POLR3A protein (p.Gly133Val). This variant is present in population databases (no rsID available, gnomAD 0.0009%). This variant has not been reported in the literature in individuals affected with POLR3A-related conditions. Algorithms developed to predict the effect of missense changes on protein structure and function are either unavailable or do not agree on the potential impact of this missense change (SIFT: "Deleterious"; PolyPhen-2: "Benign"; Align-GVGD: "Class C0"). In summary, the available evidence is currently insufficient to determine the role of this variant in disease. Therefore, it has been classified as a Variant of Uncertain Significance.

NM_007055.4(POLR3A):c.398G>T (p.Gly133Val)

Genes: POLR3A (RNA polymerase III subunit A; minus strand), LOC126860971 (CDK7 strongly-dependent group 2 enhancer GRCh37_chr10:79784551-79785750; plus strand). Cytogenetic location: 10q22.3.
Variant type: single nucleotide variant.
Coding change: c.398G>T on transcript NM_007055.4 (MANE Select); coding-DNA position 398, G replaced by T.
Protein change: p.Gly133Val; replaces glycine 133 with valine.
Molecular consequence: missense variant.
Genome position (GRCh38, 1-based): chr10:78,025,063, C>A on the plus strand (G>T on the coding strand, the complement: POLR3A is on the minus strand). VCF-style: chr10-78025063-C-A. GRCh37 (hg19) VCF-style: chr10-79784821-C-A.
Other names: short protein forms G133V.
Identifiers: ClinVar variation 1897633 (VCV001897633.2), dbSNP rs937510900, ClinGen allele CA210227263.